The following is an entry in ClinVar:

ClinVar aggregate classification (germline): Uncertain significance. Review status: criteria provided, multiple submitters, no conflicts (2 of 4 stars). 3 submissions from 3 submitters: Uncertain significance (3). Last evaluated 2024-11-20.

Conditions:
Polydactyly, postaxial, type A1. Identifiers: MedGen C4282400, MONDO:0008266, OMIM 174200.
Greig cephalopolysyndactyly syndrome (GCPS). Also called: POLYSYNDACTYLY WITH PECULIAR SKULL SHAPE; Greig syndrome; GLI3-Related Greig Cephalopolysyndactyly Syndrome. Identifiers: Orphanet 380, MedGen C0265306, MONDO:0008287, OMIM 175700.
Pallister-Hall syndrome (PHS). Also called: HYPOTHALAMIC HAMARTOBLASTOMA, HYPOPITUITARISM, IMPERFORATE ANUS, AND POSTAXIAL POLYDACTYLY; GLI3-Related Pallister-Hall Syndrome. Identifiers: Orphanet 672, MedGen C0265220, MONDO:0007804, OMIM 146510.
Polysyndactyly 4. Also called: Polysyndactyly uncomplicated; Preaxial polydactyly 4. Identifiers: Orphanet 93338, MedGen C1868111, MONDO:0008272, OMIM 174700.
Inborn genetic diseases. Identifiers: MedGen C0950123, MeSH D030342.

gnomAD v4.1: 7 of 1,613,916 alleles (0.00043%); highest among the groups gnomAD compares: African/African-American, 0.008%; no homozygotes.

Submissions (3):

Ambry Genetics
Classification: Uncertain significance for Inborn genetic diseases. Last evaluated: 2024-11-20. Review status: criteria provided, single submitter. Criteria: Ambry Variant Classification Scheme 2023. Collection method: clinical testing. Allele origin: germline.

GeneDx
Classification: Uncertain significance. Last evaluated: 2024-08-21. Review status: criteria provided, single submitter. Criteria: GeneDx Variant Classification Process June 2021. Collection method: clinical testing. Allele origin: germline. Affected: yes.
Comment: In silico analysis indicates that this missense variant does not alter protein structure/function; Has not been previously published as pathogenic or benign to our knowledge

Fulgent Genetics
Classification: Uncertain significance for Pallister-Hall syndrome; Polydactyly, postaxial, type A1; Polysyndactyly 4; Greig cephalopolysyndactyly syndrome. Last evaluated: 2024-04-11. Review status: criteria provided, single submitter. Criteria: ACMG Guidelines, 2015. Collection method: clinical testing. Allele origin: germline.

NM_000168.6(GLI3):c.2441C>A (p.Ser814Tyr)

Gene: GLI3 (GLI family zinc finger 3; minus strand). Cytogenetic location: 7p14.1.
Variant type: single nucleotide variant.
Coding change: c.2441C>A on transcript NM_000168.6 (MANE Select); coding-DNA position 2441, C replaced by A.
Protein change: p.Ser814Tyr; replaces serine 814 with tyrosine.
Molecular consequence: missense variant.
Genome position (GRCh38, 1-based): chr7:41,966,632, G>T on the plus strand (C>A on the coding strand, the complement: GLI3 is on the minus strand). VCF-style: chr7-41966632-G-T. GRCh37 (hg19) VCF-style: chr7-42006230-G-T.
Other names: short protein forms S814Y.
Identifiers: ClinVar variation 3520514 (VCV003520514.3).